The following is an entry in ClinVar:

ClinVar aggregate classification (germline): Uncertain significance (1 of 4 stars; one submission).

Allele frequency attached by ClinVar (database versions not stated): gnomAD exomes below 0.00001.
gnomAD v4.1: 5 of 1,609,224 alleles (0.00031%); highest among the groups gnomAD compares: South Asian, 0.0055%; no homozygotes.

Submission:

Ambry Genetics
Classification: Uncertain significance. Last evaluated: 2024-04-28. Review status: criteria provided, single submitter. Criteria: Ambry Variant Classification Scheme 2023. Collection method: clinical testing. Allele origin: germline.
Comment: The p.Q32E variant (also known as c.94C>G), located in coding exon 3 of the BUB1 gene, results from a C to G substitution at nucleotide position 94. The glutamine at codon 32 is replaced by glutamic acid, an amino acid with highly similar properties. This amino acid position is conserved. In addition, this alteration is predicted to be tolerated by in silico analysis. Since supporting evidence is limited at this time, the clinical significance of this alteration remains unclear.

NM_004336.5(BUB1):c.94C>G (p.Gln32Glu)

Gene: BUB1 (BUB1 mitotic checkpoint serine/threonine kinase; minus strand). Cytogenetic location: 2q13.
Variant type: single nucleotide variant.
Coding change: c.94C>G on transcript NM_004336.5 (MANE Select); coding-DNA position 94, C replaced by G.
Protein change: p.Gln32Glu; replaces glutamine 32 with glutamic acid.
Molecular consequence: missense variant.
Genome position (GRCh38, 1-based): chr2:110,674,217, G>C on the plus strand (C>G on the coding strand, the complement: BUB1 is on the minus strand). VCF-style: chr2-110674217-G-C. GRCh37 (hg19) VCF-style: chr2-111431794-G-C.
Other names: c.34C>G, p.Gln12Glu (NM_001278616.2); c.94C>G, p.Gln32Glu (NM_001278617.2); short protein forms Q12E, Q32E.
Identifiers: ClinVar variation 1767162 (VCV001767162.3), dbSNP rs1307304703, ClinGen allele CA348221553.